The following is an entry in ClinVar:

ClinVar aggregate classification (germline): Uncertain significance. Review status: criteria provided, multiple submitters, no conflicts (2 of 4 stars). 2 submissions from 2 submitters: Uncertain significance (2). Last evaluated 2022-08-23.

Conditions:
Inborn genetic diseases. Identifiers: MedGen C0950123, MeSH D030342.
Granulomatous disease, chronic, autosomal recessive, cytochrome b-positive, type 2. Also called: CGD, AUTOSOMAL RECESSIVE CYTOCHROME b-POSITIVE, TYPE II; GRANULOMATOUS DISEASE, CHRONIC, DUE TO NCF2 DEFICIENCY; GRANULOMATOUS DISEASE, CHRONIC, AUTOSOMAL RECESSIVE, 2; Chronic granulomatous disease due to deficiency of NCF-2; Chronic Granulomatous Disease, Autosomal Recessive, Cytochrome b-Positive, Type II. Identifiers: Orphanet 379, MedGen C1856245, MONDO:0009310, OMIM 233710.

Submissions (2):

Labcorp Genetics (formerly Invitae), Labcorp
Classification: Uncertain significance for Granulomatous disease, chronic, autosomal recessive, cytochrome b-positive, type 2. Last evaluated: 2022-08-23. Review status: criteria provided, single submitter. Criteria: Invitae Variant Classification Sherloc (09022015). Collection method: clinical testing. Allele origin: germline.
Comment: This sequence change replaces valine, which is neutral and non-polar, with leucine, which is neutral and non-polar, at codon 247 of the NCF2 protein (p.Val247Leu). This variant is not present in population databases (gnomAD no frequency). This variant has not been reported in the literature in individuals affected with NCF2-related conditions. ClinVar contains an entry for this variant (Variation ID: 1008579). Algorithms developed to predict the effect of missense changes on protein structure and function (SIFT, PolyPhen-2, Align-GVGD) all suggest that this variant is likely to be disruptive. In summary, the available evidence is currently insufficient to determine the role of this variant in disease. Therefore, it has been classified as a Variant of Uncertain Significance.

Ambry Genetics
Classification: Uncertain significance for Inborn genetic diseases. Last evaluated: 2022-07-27. Review status: criteria provided, single submitter. Criteria: Ambry Variant Classification Scheme 2023. Collection method: clinical testing. Allele origin: germline.

NM_000433.4(NCF2):c.739G>T (p.Val247Leu)

Gene: NCF2 (neutrophil cytosolic factor 2; minus strand). Cytogenetic location: 1q25.3.
Variant type: single nucleotide variant.
Coding change: c.739G>T on transcript NM_000433.4 (MANE Select); coding-DNA position 739, G replaced by T.
Protein change: p.Val247Leu; replaces valine 247 with leucine.
Molecular consequence: missense variant.
Genome position (GRCh38, 1-based): chr1:183,567,320, C>A on the plus strand (G>T on the coding strand, the complement: NCF2 is on the minus strand). VCF-style: chr1-183567320-C-A. GRCh37 (hg19) VCF-style: chr1-183536455-C-A.
Other names: c.739G>T, p.Val247Leu (NM_001127651.3); c.496G>T, p.Val166Leu (NM_001190789.2); c.604G>T, p.Val202Leu (NM_001190794.2); c.739G>T (NM_000433.3); short protein forms V166L, V202L, V247L.
Identifiers: ClinVar variation 1008579 (VCV001008579.9), dbSNP rs1672351576, ClinGen allele CA343672823.